The following is an entry in ClinVar:

ClinVar aggregate classification (germline): Uncertain significance. Review status: criteria provided, single submitter (1 of 4 stars). 2 submissions from 2 submitters: Uncertain significance (1). 1 of the submissions does not count toward it. Last evaluated 2023-03-23.

Conditions:
Diets-Jongmans syndrome. Also called: INTELLECTUAL DEVELOPMENTAL DISORDER WITH DISTINCTIVE FACIAL DYSMORPHISM. Identifiers: MedGen C5394263, MONDO:0030012, OMIM 618846.

Submissions (2):

GeneDx
Classification: Uncertain significance. Last evaluated: 2023-03-23. Review status: criteria provided, single submitter. Criteria: GeneDx Variant Classification Process June 2021. Collection method: clinical testing. Allele origin: germline. Affected: yes.
Comment: Not observed at significant frequency in large population cohorts (gnomAD); In silico analysis supports that this missense variant does not alter protein structure/function; Has not been previously published as pathogenic or benign to our knowledge

Clinical Genetics Laboratory, University Hospital Schleswig-Holstein
Classification: Likely pathogenic for Diets-Jongmans syndrome. Last evaluated: 2022-11-18. Review status: no assertion criteria provided. Collection method: clinical testing. Allele origin: de novo. Affected: yes. Not counted in ClinVar's aggregate classification.

NM_016604.4(KDM3B):c.5002G>T (p.Val1668Leu)

Gene: KDM3B (lysine demethylase 3B; plus strand). Cytogenetic location: 5q31.2.
Variant type: single nucleotide variant.
Coding change: c.5002G>T on transcript NM_016604.4 (MANE Select); coding-DNA position 5002, G replaced by T.
Protein change: p.Val1668Leu; replaces valine 1668 with leucine.
Molecular consequence: missense variant.
Genome position (GRCh38, 1-based): chr5:138,430,357, G>T. VCF-style: chr5-138430357-G-T. GRCh37 (hg19) VCF-style: chr5-137766046-G-T.
Other names: short protein forms V1668L.
Identifiers: ClinVar variation 2580684 (VCV002580684.2), dbSNP rs1763499604, ClinGen allele CA361096990.